The following is an entry in ClinVar:

NM_001378452.1(ITPR1):c.3573T>A (p.Ile1191=)

Gene: ITPR1 (inositol 1,4,5-trisphosphate receptor type 1; plus strand). Cytogenetic location: 3p26.1.
Variant type: single nucleotide variant.
Coding change: c.3573T>A on transcript NM_001378452.1 (MANE Select); coding-DNA position 3573, T replaced by A.
Protein change: p.Ile1191=; no amino-acid change (isoleucine 1191 retained).
Molecular consequence: synonymous variant.
Genome position (GRCh38, 1-based): chr3:4,685,077, T>A. VCF-style: chr3-4685077-T-A. GRCh37 (hg19) VCF-style: chr3-4726761-T-A.
Other names: c.3546T>A, p.Ile1182= (NM_001099952.4); c.3528T>A, p.Ile1176= (NM_001168272.2); c.3501T>A, p.Ile1167= (NM_002222.7).
Identifiers: ClinVar variation 3042281 (VCV003042281.4), dbSNP rs751140794, ClinGen allele CA2231745.

ClinVar aggregate classification (germline): Likely benign. Review status: criteria provided, single submitter (1 of 4 stars). 2 submissions from 2 submitters: Likely benign (1). 1 of the submissions does not count toward it. Last evaluated 2024-10-30.

Conditions:
ITPR1-related disorder. Also called: ITPR1-related condition.

Allele frequency attached by ClinVar (database versions not stated): TOPMed below 0.00001; gnomAD exomes 0.00001.
gnomAD v4.1: 22 of 1,609,520 alleles (0.0014%); highest among the groups gnomAD compares: Non-Finnish European, 0.0015%; no homozygotes.

Submissions (2):

Labcorp Genetics (formerly Invitae), Labcorp
Classification: Likely benign. Last evaluated: 2024-10-30. Review status: criteria provided, single submitter. Criteria: Invitae Variant Classification Sherloc (09022015). Collection method: clinical testing. Allele origin: germline.

PreventionGenetics, part of Exact Sciences
Classification: Likely benign for ITPR1-related condition. Last evaluated: 2024-02-26. Review status: no assertion criteria provided. Collection method: clinical testing. Allele origin: germline. Not counted in ClinVar's aggregate classification.
Comment: This variant is classified as likely benign based on ACMG/AMP sequence variant interpretation guidelines (Richards et al. 2015 PMID: 25741868, with internal and published modifications).